The following is an entry in ClinVar:

ClinVar aggregate classification (germline): Uncertain significance (1 of 4 stars; one submission).

Submission:

Mayo Clinic Laboratories, Mayo Clinic
Classification: Uncertain significance. Last evaluated: 2024-10-22. Review status: criteria provided, single submitter. Criteria: ACMG Guidelines, 2015. Collection method: clinical testing. Allele origin: germline. Observed: 3 variant alleles.
Comment: PM2_supporting

NM_024753.5(TTC21B):c.1078G>T (p.Ala360Ser)

Gene: TTC21B (tetratricopeptide repeat domain 21B; minus strand). Cytogenetic location: 2q24.3.
Variant type: single nucleotide variant.
Coding change: c.1078G>T on transcript NM_024753.5 (MANE Select); coding-DNA position 1078, G replaced by T.
Protein change: p.Ala360Ser; replaces alanine 360 with serine.
Molecular consequence: missense variant.
Genome position (GRCh38, 1-based): chr2:165,930,181, C>A on the plus strand (G>T on the coding strand, the complement: TTC21B is on the minus strand). VCF-style: chr2-165930181-C-A. GRCh37 (hg19) VCF-style: chr2-166786691-C-A.
Other names: p.Ala360Ser; short protein forms A360S.
Identifiers: ClinVar variation 3380847 (VCV003380847.2).